The following is an entry in ClinVar:

ClinVar aggregate classification (germline): Pathogenic. Review status: criteria provided, multiple submitters, no conflicts (2 of 4 stars). 2 submissions from 2 submitters: Pathogenic (2). Last evaluated 2025-11-17.

Conditions:
ABCA4-related disorder. Also called: ABCA4-related disorders; ABCA4-related condition. Identifiers: MedGen CN239167.

Allele frequency attached by ClinVar (database versions not stated): gnomAD exomes below 0.00001; ExAC 0.00001; ESP Exome Variant Server 0.00008.

Submissions (2):

Labcorp Genetics (formerly Invitae), Labcorp
Classification: Pathogenic. Last evaluated: 2025-11-17. Review status: criteria provided, single submitter. Criteria: Invitae Variant Classification Sherloc (09022015). Collection method: clinical testing. Allele origin: germline.
Comment: This sequence change creates a premature translational stop signal (p.Ser404*) in the ABCA4 gene. It is expected to result in an absent or disrupted protein product. Loss-of-function variants in ABCA4 are known to be pathogenic (PMID: 10958761, 24938718, 25312043, 26780318). This variant is present in population databases (rs150686179, gnomAD 0.0009%). This premature translational stop signal has been observed in individual(s) with ABCA4-related conditions (PMID: 35120629, 38927562). ClinVar contains an entry for this variant (Variation ID: 1071742). For these reasons, this variant has been classified as Pathogenic.

PreventionGenetics, part of Exact Sciences
Classification: Pathogenic for ABCA4-related condition. Last evaluated: 2025-10-15. Review status: criteria provided, single submitter. Criteria: ACMG Guidelines, 2015. Collection method: clinical testing. Allele origin: germline.
Comment: The ABCA4 c.1211C>G variant is predicted to result in premature protein termination (p.Ser404*). To our knowledge, this variant has not been reported individuals with ABCA4-related retinal disease. An alternate nucleotide change (c.1211C>A) resulting in the same nonsense variant has been reported in an individual with Stargardt disease (Supplemental Table, Tracewska et al. 2021. PubMed ID: 34321860). This variant is reported in 0.00088% of alleles in individuals of European (Non-Finnish) descent in gnomAD. Nonsense variants in ABCA4 are expected to be pathogenic. This variant is interpreted as pathogenic.

Literature cited by the submitters: PubMed 10958761 (cited by Labcorp Genetics (formerly Invitae), Labcorp); PubMed 24938718 (cited by Labcorp Genetics (formerly Invitae), Labcorp); PubMed 25312043 (cited by Labcorp Genetics (formerly Invitae), Labcorp); PubMed 26780318 (cited by Labcorp Genetics (formerly Invitae), Labcorp); PubMed 35120629 (cited by Labcorp Genetics (formerly Invitae), Labcorp); PubMed 38927562 (cited by Labcorp Genetics (formerly Invitae), Labcorp).

NM_000350.3(ABCA4):c.1211C>G (p.Ser404Ter)

Gene: ABCA4 (ATP binding cassette subfamily A member 4; minus strand). Cytogenetic location: 1p22.1.
Variant type: single nucleotide variant.
Coding change: c.1211C>G on transcript NM_000350.3 (MANE Select); coding-DNA position 1211, C replaced by G.
Protein change: p.Ser404Ter; replaces serine 404 with a stop codon.
Molecular consequence: nonsense.
Genome position (GRCh38, 1-based): chr1:94,079,350, G>C on the plus strand (C>G on the coding strand, the complement: ABCA4 is on the minus strand). VCF-style: chr1-94079350-G-C. GRCh37 (hg19) VCF-style: chr1-94544906-G-C.
Other names: c.1211C>G (NM_000350.2); c.1211C>G, p.Ser404Ter (NM_001425324.1); short protein forms S404*.
Identifiers: ClinVar variation 1071742 (VCV001071742.8), dbSNP rs150686179, ClinGen allele CA958608.
Genomic context (GRCh38, chr1:94,079,350, plus strand): 5'-GGTACACAAGGCAAGCCCAGCTGGGATCTTACATTCTTCAGTATCCTTCGTGCTGCAGGT[G>C]AATCAGGAGTGTACAGGATTTTTCCCATCAGCAAAGGCTTTGCCGCCCTCCAAGCGATTT-3'